The following is an entry in ClinVar:

NM_005359.6(SMAD4):c.963G>A (p.Glu321=)

Gene: SMAD4 (SMAD family member 4; plus strand). Cytogenetic location: 18q21.2.
Variant type: single nucleotide variant.
Coding change: c.963G>A on transcript NM_005359.6 (MANE Select); coding-DNA position 963, G replaced by A.
Protein change: p.Glu321=; no amino-acid change (glutamic acid 321 retained).
Molecular consequence: synonymous variant.
Genome position (GRCh38, 1-based): chr18:51,065,430, G>A. VCF-style: chr18-51065430-G-A. GRCh37 (hg19) VCF-style: chr18-48591800-G-A.
Identifiers: ClinVar variation 389876 (VCV000389876.15), dbSNP rs1057523565, ClinGen allele CA16608765.

ClinVar aggregate classification (germline): Benign/Likely benign. Review status: criteria provided, multiple submitters, no conflicts (2 of 4 stars). 5 submissions from 5 submitters: Benign (1); Likely benign (4). Last evaluated 2025-11-30.

Conditions:
Juvenile polyposis syndrome (JPS). Identifiers: Orphanet 2929, MedGen C0345893, MONDO:0017380, OMIM 174900.
Hereditary cancer-predisposing syndrome. Also called: Neoplastic Syndromes, Hereditary; Hereditary Cancer Syndrome; Hereditary neoplastic syndrome; Tumor predisposition. Identifiers: Orphanet 140162, MedGen C0027672, MeSH D009386, MONDO:0015356.
Familial thoracic aortic aneurysm and aortic dissection (TAAD). Also called: Thoracic aortic aneurysms and dissections. Identifiers: Orphanet 91387, MedGen C4707243, MONDO:0019625.
Juvenile polyposis/hereditary hemorrhagic telangiectasia syndrome (JPHT). Also called: POLYPOSIS, GENERALIZED JUVENILE, WITH PULMONARY ARTERIOVENOUS MALFORMATION; TELANGIECTASIA, HEREDITARY HEMORRHAGIC, WITH JUVENILE POLYPOSIS COLI; Juvenile Polyposis Syndrome / Hereditary Hemorrhagic Telangiectasia (JPS/HHT); JP/HHT SYNDROME; JUVENILE POLYPOSIS WITH HEREDITARY HEMORRHAGIC TELANGIECTASIA. Identifiers: Orphanet 2929, MedGen C1832942, MONDO:0008278, OMIM 175050.

Allele frequency attached by ClinVar (database versions not stated): TOPMed below 0.00001.

Submissions (5):

Labcorp Genetics (formerly Invitae), Labcorp
Classification: Likely benign for Juvenile polyposis syndrome. Last evaluated: 2025-11-30. Review status: criteria provided, single submitter. Criteria: Invitae Variant Classification Sherloc (09022015). Collection method: clinical testing. Allele origin: germline.

Myriad Genetics, Inc.
Classification: Benign for Juvenile polyposis/hereditary hemorrhagic telangiectasia syndrome. Last evaluated: 2025-03-20. Review status: criteria provided, single submitter. Criteria: Myriad Autosomal Dominant, Autosomal Recessive and X-Linked Classification Criteria (2023). Collection method: clinical testing. Allele origin: unknown.
Comment: This variant is considered benign. This variant is a silent/synonymous amino acid change and it is not expected to impact splicing.

Ambry Genetics
Classification: Likely benign for Hereditary cancer-predisposing syndrome; Familial thoracic aortic aneurysm and aortic dissection. Last evaluated: 2020-11-10. Review status: criteria provided, single submitter. Criteria: Ambry Variant Classification Scheme 2023. Collection method: clinical testing. Allele origin: germline.

Color Diagnostics, LLC DBA Color Health
Classification: Likely benign for Hereditary cancer-predisposing syndrome. Last evaluated: 2020-07-28. Review status: criteria provided, single submitter. Criteria: ACMG Guidelines, 2015. Collection method: clinical testing. Allele origin: germline.

GeneDx
Classification: Likely benign. Last evaluated: 2016-10-10. Review status: criteria provided, single submitter. Criteria: GeneDx Variant Classification (06012015). Collection method: clinical testing. Allele origin: germline. Affected: yes.
Comment: This variant is considered likely benign or benign based on one or more of the following criteria: it is a conservative change, it occurs at a poorly conserved position in the protein, it is predicted to be benign by multiple in silico algorithms, and/or has population frequency not consistent with disease.